The following is an entry in ClinVar:

NM_022114.4(PRDM16):c.1072T>A (p.Ser358Thr)

Gene: PRDM16 (PR/SET domain 16; plus strand). Cytogenetic location: 1p36.32.
Variant type: single nucleotide variant.
Coding change: c.1072T>A on transcript NM_022114.4 (MANE Select); coding-DNA position 1072, T replaced by A.
Protein change: p.Ser358Thr; replaces serine 358 with threonine.
Molecular consequence: missense variant.
Genome position (GRCh38, 1-based): chr1:3,405,534, T>A. VCF-style: chr1-3405534-T-A. GRCh37 (hg19) VCF-style: chr1-3322098-T-A.
Other names: c.1072T>A, p.Ser358Thr (NM_199454.3); short protein forms S358T.
Identifiers: ClinVar variation 1512042 (VCV001512042.8), dbSNP rs1451316777, ClinGen allele CA338005306.
Genomic context (GRCh38, chr1:3,405,534, plus strand): 5'-CAACGGCATCCGTCTCCCCAGGTGTTCACGGACCCCAGCAACCTTCAGCGGCACATCCGC[T>A]CGCAGCACGTGGGCGCTCGGGCCCACGCCTGCCCCGACTGCGGGAAGACCTTCGCCACGT-3'
Protein context (NP_071397.3, residues 348-368): DPSNLQRHIR[Ser358Thr]QHVGARAHAC

ClinVar aggregate classification (germline): Uncertain significance (1 of 4 stars; one submission).

Conditions:
Left ventricular noncompaction 8 (LVNC8). Identifiers: Orphanet 154, Orphanet 54260, MedGen C3809288, MONDO:0014152, OMIM 615373.

Allele frequency attached by ClinVar (database versions not stated): TOPMed below 0.00001; gnomAD 0.00001.
gnomAD v4.1: 1 of 1,603,740 alleles (0.000062%); highest among the groups gnomAD compares: Non-Finnish European, 0.000085%; no homozygotes.

Submission:

Labcorp Genetics (formerly Invitae), Labcorp
Classification: Uncertain significance for Left ventricular noncompaction 8. Last evaluated: 2021-03-22. Review status: criteria provided, single submitter. Criteria: Invitae Variant Classification Sherloc (09022015). Collection method: clinical testing. Allele origin: germline.
Comment: In summary, the available evidence is currently insufficient to determine the role of this variant in disease. Therefore, it has been classified as a Variant of Uncertain Significance. Algorithms developed to predict the effect of missense changes on protein structure and function are either unavailable or do not agree on the potential impact of this missense change (SIFT: "Deleterious"; PolyPhen-2: "Probably Damaging"; Align-GVGD: "Class C0"). This variant has not been reported in the literature in individuals with PRDM16-related conditions. This variant is not present in population databases (ExAC no frequency). This sequence change replaces serine with threonine at codon 358 of the PRDM16 protein (p.Ser358Thr). The serine residue is highly conserved and there is a small physicochemical difference between serine and threonine.